The following is an entry in ClinVar:

ClinVar aggregate classification (germline): Benign/Likely benign. Review status: criteria provided, multiple submitters, no conflicts (2 of 4 stars). 4 submissions from 4 submitters: Benign (2); Likely benign (1). 1 of the submissions does not count toward it. Last evaluated 2025-12-15.

Conditions:
ZMYND10-related disorder. Also called: ZMYND10-related condition.
Primary ciliary dyskinesia. Also called: Ciliary dyskinesia. Identifiers: Orphanet 244, MedGen C0008780, MONDO:0016575, HP:0012265.

Allele frequency attached by ClinVar (database versions not stated): ESP Exome Variant Server 0.00023; TOPMed 0.00028; 1000 Genomes Project 30x 0.00031; 1000 Genomes Project 0.00040; gnomAD exomes 0.00083 and 0.00135; ExAC 0.00090; gnomAD 0.00138 and 0.00144.
gnomAD v4.1: 1,365 of 1,569,298 alleles (0.087%); highest among the groups gnomAD compares: Non-Finnish European, 0.056%; 7 homozygotes.

Submissions (6):

Labcorp Genetics (formerly Invitae), Labcorp
Classification: Benign for Primary ciliary dyskinesia. Last evaluated: 2025-12-15. Review status: criteria provided, single submitter. Criteria: Invitae Variant Classification Sherloc (09022015). Collection method: clinical testing. Allele origin: germline.

Blueprint Genetics
Classification: Likely benign. Last evaluated: 2024-11-08. Review status: criteria provided, single submitter. Criteria: ACMG Guidelines, 2015. Collection method: clinical testing. Allele origin: germline.

Breakthrough Genomics
Classification: Benign. Review status: criteria provided, single submitter. Criteria: ACMG Guidelines, 2015. Collection method: not provided. Allele origin: germline. Inheritance: Autosomal recessive inheritance. Affected: yes.

PreventionGenetics, part of Exact Sciences
Classification: Benign for ZMYND10-related condition. Last evaluated: 2019-12-02. Review status: no assertion criteria provided. Collection method: clinical testing. Allele origin: germline. Not counted in ClinVar's aggregate classification.
Comment: This variant is classified as benign based on ACMG/AMP sequence variant interpretation guidelines (Richards et al. 2015 PMID: 25741868, with internal and published modifications).

Dr. Peter K. Rogan Lab, Western University
No classification provided (evidence only). Condition: Sarcoma. Review status: no classification provided. Collection method: in vitro. Allele origin: not applicable. Functional consequence: retained intron. Not counted in ClinVar's aggregate classification.

Dr. Peter K. Rogan Lab, Western University
No classification provided (evidence only). Condition: Nonpapillary renal cell carcinoma. Review status: no classification provided. Collection method: in vitro. Allele origin: not applicable. Functional consequence: retained intron. Not counted in ClinVar's aggregate classification.

NM_015896.4(ZMYND10):c.873+4A>T

Gene: ZMYND10 (zinc finger MYND-type containing 10; minus strand). Cytogenetic location: 3p21.31.
Variant type: single nucleotide variant.
Coding change: c.873+4A>T on transcript NM_015896.4 (MANE Select); 4 bases into the intron after coding-DNA position 873, A replaced by T.
Molecular consequence: intron variant.
Genome position (GRCh38, 1-based): chr3:50,342,393, T>A on the plus strand (A>T on the coding strand, the complement: ZMYND10 is on the minus strand). VCF-style: chr3-50342393-T-A. GRCh37 (hg19) VCF-style: chr3-50379824-T-A.
Other names: c.858+4A>T (NM_001308379.2); c.873+4A>T (NM_015896.3).
Identifiers: ClinVar variation 454844 (VCV000454844.15), dbSNP rs185474627, ClinGen allele CA2417069.
Genomic context (GRCh38, chr3:50,342,393, plus strand): 5'-CAGTCGGGGTAGGATGGGGAGGGCGGTACTGGGGCTGTGGGGGCTGGTGCGGAGGGAGTC[T>A]GACCTTGAGTAGCCGTCCCTTGGCAAAACTTGTGAGGCAGTAGCGCGCCTGAGCCTCAGG-3'